The following is an entry in ClinVar:

ClinVar aggregate classification (germline): Uncertain significance (1 of 4 stars; one submission).

Submission:

Labcorp Genetics (formerly Invitae), Labcorp
Classification: Uncertain significance. Last evaluated: 2024-10-26. Review status: criteria provided, single submitter. Criteria: Invitae Variant Classification Sherloc (09022015). Collection method: clinical testing. Allele origin: germline.
Comment: This sequence change replaces leucine, which is neutral and non-polar, with proline, which is neutral and non-polar, at codon 150 of the RGS9BP protein (p.Leu150Pro). This variant is not present in population databases (gnomAD no frequency). This variant has not been reported in the literature in individuals affected with RGS9BP-related conditions. ClinVar contains an entry for this variant (Variation ID: 1901525). An algorithm developed to predict the effect of missense changes on protein structure and function (PolyPhen-2) suggests that this variant is likely to be disruptive. In summary, the available evidence is currently insufficient to determine the role of this variant in disease. Therefore, it has been classified as a Variant of Uncertain Significance.

NM_207391.3(RGS9BP):c.449T>C (p.Leu150Pro)

Gene: RGS9BP (regulator of G protein signaling 9 binding protein; plus strand). Cytogenetic location: 19q13.11.
Variant type: single nucleotide variant.
Coding change: c.449T>C on transcript NM_207391.3 (MANE Select); coding-DNA position 449, T replaced by C.
Protein change: p.Leu150Pro; replaces leucine 150 with proline.
Molecular consequence: missense variant.
Genome position (GRCh38, 1-based): chr19:32,676,712, T>C. VCF-style: chr19-32676712-T-C. GRCh37 (hg19) VCF-style: chr19-33167618-T-C.
Other names: short protein forms L150P.
Identifiers: ClinVar variation 1901525 (VCV001901525.5), dbSNP rs1968011422, ClinGen allele CA405186776.
Genomic context (GRCh38, chr19:32,676,712, plus strand): 5'-GCACCCGCAGCCTGCGGCTCGAGGCGGAGGGCGACTTCGACGTCGCGGACCTGCGGGAGC[T>C]GGAGCGCGAGGTCCTTCAGGTGGGCGAGATGATCGACAACATGGAGATGAAGGTCAACGT-3'
Protein context (NP_997274.2, residues 140-160): GDFDVADLRE[Leu150Pro]EREVLQVGEM